The following is an entry in ClinVar:

NM_001271.4(CHD2):c.593A>T (p.Gln198Leu)

Gene: CHD2 (chromodomain helicase DNA binding protein 2; plus strand). Cytogenetic location: 15q26.1.
Variant type: single nucleotide variant.
Coding change: c.593A>T on transcript NM_001271.4 (MANE Select); coding-DNA position 593, A replaced by T.
Protein change: p.Gln198Leu; replaces glutamine 198 with leucine.
Molecular consequence: missense variant.
Genome position (GRCh38, 1-based): chr15:92,939,619, A>T. VCF-style: chr15-92939619-A-T. GRCh37 (hg19) VCF-style: chr15-93482849-A-T.
Other names: c.593A>T, p.Gln198Leu (NM_001042572.3); short protein forms Q198L.
Identifiers: ClinVar variation 4802428 (VCV004802428.1).
Genomic context (GRCh38, chr15:92,939,619, plus strand): 5'-GTTTCTCTTCTCATTTTAGAACAGTGCCCAAACCTCGTGTTAAAAAGCAGCCGAAGACTC[A>T]GCGTGGAAAGAGAAAAAAGCAAGATTCTTCTGATGAGGATGATGATGATGACGAAGCTCC-3'
Protein context (NP_001262.3, residues 188-208): KPRVKKQPKT[Gln198Leu]RGKRKKQDSS

ClinVar aggregate classification (germline): Uncertain significance (1 of 4 stars; one submission).

Conditions:
Developmental and epileptic encephalopathy 94 (DEE94). Also called: Epileptic encephalopathy, childhood-onset; CHD2-Related Neurodevelopmental Disorders. Identifiers: Orphanet 1942, Orphanet 2382, MedGen C3809278, MONDO:0014150, OMIM 615369.

Submission:

Labcorp Genetics (formerly Invitae), Labcorp
Classification: Uncertain significance for Developmental and epileptic encephalopathy 94. Last evaluated: 2025-04-23. Review status: criteria provided, single submitter. Criteria: Invitae Variant Classification Sherloc (09022015). Collection method: clinical testing. Allele origin: germline.
Comment: This sequence change replaces glutamine, which is neutral and polar, with leucine, which is neutral and non-polar, at codon 198 of the CHD2 protein (p.Gln198Leu). This variant is not present in population databases (gnomAD no frequency). This variant has not been reported in the literature in individuals affected with CHD2-related conditions. Invitae Evidence Modeling of protein sequence and biophysical properties (such as structural, functional, and spatial information, amino acid conservation, physicochemical variation, residue mobility, and thermodynamic stability) indicates that this missense variant is not expected to disrupt CHD2 protein function with a negative predictive value of 95%. In summary, the available evidence is currently insufficient to determine the role of this variant in disease. Therefore, it has been classified as a Variant of Uncertain Significance.